The following is an entry in ClinVar:

NM_006947.4(SRP72):c.791C>T (p.Ala264Val)

Gene: SRP72 (signal recognition particle 72; plus strand). Cytogenetic location: 4q12.
Variant type: single nucleotide variant.
Coding change: c.791C>T on transcript NM_006947.4 (MANE Select); coding-DNA position 791, C replaced by T.
Protein change: p.Ala264Val; replaces alanine 264 with valine.
Molecular consequence: missense variant. On other transcripts: non-coding transcript variant (1), intron variant (1).
Genome position (GRCh38, 1-based): chr4:56,478,615, C>T. VCF-style: chr4-56478615-C-T. GRCh37 (hg19) VCF-style: chr4-57344781-C-T.
Other names: c.642+1913C>T (NM_001267722.2); short protein forms A264V.
Identifiers: ClinVar variation 5030215 (VCV005030215.1).
Genomic context (GRCh38, chr4:56,478,615, plus strand): 5'-GGTTTGTTTGGTTTTGACTGTTGCTTGTTGTTCACAGACCAACAGATGTGGGATTACTAG[C>T]TGTAATTGCAAATAACATCATTACCATTAACAAGGTATGGAGTATTTGTGCTTTCCATAG-3'
Protein context (NP_008878.3, residues 254-274): KLKPTDVGLL[Ala264Val]VIANNIITIN

ClinVar aggregate classification (germline): Uncertain significance (1 of 4 stars; one submission).

Submission:

Ambry Genetics
Classification: Uncertain significance. Last evaluated: 2026-06-20. Review status: criteria provided, single submitter. Criteria: Ambry Variant Classification Scheme 2023. Collection method: clinical testing. Allele origin: germline.
Comment: The p.A264V variant (also known as c.791C>T), located in coding exon 8 of the SRP72 gene, results from a C to T substitution at nucleotide position 791. The alanine at codon 264 is replaced by valine, an amino acid with similar properties. This amino acid position is conserved. In addition, this alteration is predicted to be tolerated by in silico analysis. Based on the available evidence, the clinical significance of this variant remains unclear.